The following is an entry in ClinVar:

ClinVar aggregate classification (germline): Uncertain significance. Review status: criteria provided, multiple submitters, no conflicts (2 of 4 stars). 2 submissions from 2 submitters: Uncertain significance (2). Last evaluated 2026-06-26.

Conditions:
LRRC45-related disorder. Also called: LRRC45-related condition.

Allele frequency attached by ClinVar (database versions not stated): gnomAD exomes below 0.00001; TOPMed 0.00002; gnomAD 0.00003.
gnomAD v4.1: 14 of 1,588,782 alleles (0.00088%); highest among the groups gnomAD compares: Admixed American, 0.0073%; no homozygotes.

Submissions (2):

PreventionGenetics, part of Exact Sciences
Classification: Uncertain significance for LRRC45-related condition. Last evaluated: 2026-06-26. Review status: criteria provided, single submitter. Criteria: ACMG Guidelines, 2015. Collection method: clinical testing. Allele origin: germline.
Comment: The LRRC45 c.1104G>T variant is predicted to result in the amino acid substitution p.Lys368Asn. To our knowledge, this variant has not been reported in the literature. This variant has been reported in three heterozygous individuals within the 'other' sub-population in gnomAD. At this time, the clinical significance of this variant is uncertain due to the absence of conclusive functional and genetic evidence.

Ambry Genetics
Classification: Uncertain significance. Last evaluated: 2025-04-03. Review status: criteria provided, single submitter. Criteria: Ambry Variant Classification Scheme 2023. Collection method: clinical testing. Allele origin: germline.

NM_144999.4(LRRC45):c.1104G>T (p.Lys368Asn)

Gene: LRRC45 (leucine rich repeat containing 45; plus strand). Cytogenetic location: 17q25.3.
Variant type: single nucleotide variant.
Coding change: c.1104G>T on transcript NM_144999.4 (MANE Select); coding-DNA position 1104, G replaced by T.
Protein change: p.Lys368Asn; replaces lysine 368 with asparagine.
Molecular consequence: missense variant.
Genome position (GRCh38, 1-based): chr17:82,028,290, G>T. VCF-style: chr17-82028290-G-T. GRCh37 (hg19) VCF-style: chr17-79986166-G-T.
Other names: c.1104G>T (NM_144999.3); short protein forms K368N.
Identifiers: ClinVar variation 2468137 (VCV002468137.5), dbSNP rs1181730301, ClinGen allele CA401545044.